The following is an entry in ClinVar:

ClinVar aggregate classification (germline): Uncertain significance (1 of 4 stars; one submission).

Conditions:
Idiopathic generalized epilepsy. Also called: Generalised epilepsy; EIG. Identifiers: MedGen C0270850, MONDO:0005579, OMIM 600669.
Hyperaldosteronism, familial, type IV (HALD4). Also called: FH IV; ALDOSTERONISM, PRIMARY, AND HYPERTENSION. Identifiers: Orphanet 642671, MedGen C4310756, MONDO:0014875, OMIM 617027.

gnomAD v4.1: 7 of 1,572,548 alleles (0.00045%); highest among the groups gnomAD compares: South Asian, 0.0036%; no homozygotes.

Submission:

Labcorp Genetics (formerly Invitae), Labcorp
Classification: Uncertain significance for Idiopathic generalized epilepsy; Hyperaldosteronism, familial, type IV. Last evaluated: 2022-10-27. Review status: criteria provided, single submitter. Criteria: Invitae Variant Classification Sherloc (09022015). Collection method: clinical testing. Allele origin: germline.
Comment: In summary, the available evidence is currently insufficient to determine the role of this variant in disease. Therefore, it has been classified as a Variant of Uncertain Significance. Advanced modeling of protein sequence and biophysical properties (such as structural, functional, and spatial information, amino acid conservation, physicochemical variation, residue mobility, and thermodynamic stability) performed at Invitae indicates that this missense variant is not expected to disrupt CACNA1H protein function. ClinVar contains an entry for this variant (Variation ID: 1016545). This variant has not been reported in the literature in individuals affected with CACNA1H-related conditions. The frequency data for this variant in the population databases is considered unreliable, as metrics indicate poor data quality at this position in the gnomAD database. This sequence change replaces arginine, which is basic and polar, with serine, which is neutral and polar, at codon 787 of the CACNA1H protein (p.Arg787Ser).

NM_021098.3(CACNA1H):c.2359C>A (p.Arg787Ser)

Gene: CACNA1H (calcium voltage-gated channel subunit alpha1 H; plus strand). Cytogenetic location: 16p13.3.
Variant type: single nucleotide variant.
Coding change: c.2359C>A on transcript NM_021098.3 (MANE Select); coding-DNA position 2359, C replaced by A.
Protein change: p.Arg787Ser; replaces arginine 787 with serine.
Molecular consequence: missense variant.
Genome position (GRCh38, 1-based): chr16:1,204,366, C>A. VCF-style: chr16-1204366-C-A. GRCh37 (hg19) VCF-style: chr16-1254366-C-A.
Other names: c.2359C>A, p.Arg787Ser (NM_001005407.2); short protein forms R787S.
Identifiers: ClinVar variation 1016545 (VCV001016545.8), dbSNP rs747178657, ClinGen allele CA7800217.